The following is an entry in ClinVar:

NM_007074.4(CORO1A):c.1065+9C>T

Gene: CORO1A (coronin 1A; plus strand). Cytogenetic location: 16p11.2.
Variant type: single nucleotide variant.
Coding change: c.1065+9C>T on transcript NM_007074.4 (MANE Select); 9 bases into the intron after coding-DNA position 1065, C replaced by T.
Molecular consequence: intron variant.
Genome position (GRCh38, 1-based): chr16:30,188,258, C>T. VCF-style: chr16-30188258-C-T. GRCh37 (hg19) VCF-style: chr16-30199579-C-T.
Other names: p.?; c.1065+9C>T (NM_001193333.3).
Identifiers: ClinVar variation 474495 (VCV000474495.15), dbSNP rs117288362, ClinGen allele CA8003365.
Genomic context (GRCh38, chr16:30,188,258, plus strand): 5'-CAAGCTGCACGAGCGGAGGTGTGAGCCCATTGCCATGACAGTGCCTCGAAAGGTGATGCT[C>T]CCCCGCCCCACCCTGGGCTCCAGGCTGGGCACTGACTTTGCGGTCTTGTGGGGGGTGTCC-3'

ClinVar aggregate classification (germline): Benign. Review status: criteria provided, multiple submitters, no conflicts (2 of 4 stars). 3 submissions from 3 submitters: Benign (2). 1 of the submissions does not count toward it. Last evaluated 2026-02-04.

Conditions:
Severe combined immunodeficiency due to CORO1A deficiency. Also called: Immunodeficiency 8; IMMUNODEFICIENCY 8 WITH LYMPHOPROLIFERATION. Identifiers: Orphanet 228003, MedGen C3809383, MONDO:0014168, OMIM 615401.
CORO1A-related disorder. Also called: CORO1A-related condition.

Allele frequency attached by ClinVar (database versions not stated): ESP Exome Variant Server 0.00092; TOPMed 0.00294; gnomAD 0.00305 and 0.00389; gnomAD exomes 0.00626; ExAC 0.00642; 1000 Genomes Project 30x 0.01062; 1000 Genomes Project 0.01258.
gnomAD v4.1: 5,175 of 1,613,566 alleles (0.32%); highest among the groups gnomAD compares: East Asian, 7.2%; 144 homozygotes.

Submissions (3):

Labcorp Genetics (formerly Invitae), Labcorp
Classification: Benign for Severe combined immunodeficiency due to CORO1A deficiency. Last evaluated: 2026-02-04. Review status: criteria provided, single submitter. Criteria: Invitae Variant Classification Sherloc (09022015). Collection method: clinical testing. Allele origin: germline.

Mayo Clinic Laboratories, Mayo Clinic
Classification: Benign. Last evaluated: 2021-11-19. Review status: criteria provided, single submitter. Criteria: ACMG Guidelines, 2015. Collection method: clinical testing. Allele origin: germline. Observed: 3 variant alleles.

PreventionGenetics, part of Exact Sciences
Classification: Benign for CORO1A-related condition. Last evaluated: 2019-09-23. Review status: no assertion criteria provided. Collection method: clinical testing. Allele origin: germline. Not counted in ClinVar's aggregate classification.
Comment: This variant is classified as benign based on ACMG/AMP sequence variant interpretation guidelines (Richards et al. 2015 PMID: 25741868, with internal and published modifications).